The following is an entry in ClinVar:

ClinVar aggregate classification (germline): Uncertain significance (1 of 4 stars; one submission).

Submission:

GeneDx
Classification: Uncertain significance. Last evaluated: 2026-07-27. Review status: criteria provided, single submitter. Criteria: GeneDx Variant Classification Process June 2021. Collection method: clinical testing. Allele origin: germline.
Comment: Not observed at significant frequency in large population cohorts (gnomAD); In silico analysis supports a deleterious effect on protein structure/function; Has not been previously published as pathogenic or benign to our knowledge; Not located in one of the three hot-spot regions of the RYR2 gene, where the majority of pathogenic missense variants occur (PMID: 19926015); This variant is associated with the following publications: (PMID: 19926015)

NM_001035.3(RYR2):c.10462_10464delinsTTT (p.Leu3488Phe)

Gene: RYR2 (ryanodine receptor 2; plus strand). Cytogenetic location: 1q43.
Variant type: Indel.
Coding change: c.10462_10464delinsTTT on transcript NM_001035.3 (MANE Select); coding-DNA positions 10462 to 10464, CTC replaced by TTT.
Protein change: p.Leu3488Phe; replaces leucine 3488 with phenylalanine.
Molecular consequence: missense variant.
Genome position (GRCh38, 1-based): chr1:237,717,336-237,717,338, CTC replaced by TTT. VCF-style: chr1-237717336-CTC-TTT. GRCh37 (hg19) VCF-style: chr1-237880636-CTC-TTT.
Other names: short protein forms L3488F.
Identifiers: ClinVar variation 1315603 (VCV001315603.3), dbSNP rs2149100910, ClinGen allele CA2573051529.